The following is an entry in ClinVar:

NM_012452.3(TNFRSF13B):c.60C>G (p.Arg20=)

Gene: TNFRSF13B (TNF receptor superfamily member 13B; minus strand). Cytogenetic location: 17p11.2.
Variant type: single nucleotide variant.
Coding change: c.60C>G on transcript NM_012452.3 (MANE Select); coding-DNA position 60, C replaced by G.
Protein change: p.Arg20=; no amino-acid change (arginine 20 retained).
Molecular consequence: synonymous variant.
Genome position (GRCh38, 1-based): chr17:16,972,016, G>C on the plus strand (C>G on the coding strand, the complement: TNFRSF13B is on the minus strand). VCF-style: chr17-16972016-G-C. GRCh37 (hg19) VCF-style: chr17-16875330-G-C.
Identifiers: ClinVar variation 1522762 (VCV001522762.8), dbSNP rs2143696693, ClinGen allele CA498105088.
Genomic context (GRCh38, chr17:16,972,016, plus strand): 5'-AGGCCCAACCCTCCTCACACCTCCCACCTGCCCTCCTGCCCTCCTGCCCGGCTACTCACA[G>C]CGCTCCTCCTGGTCCACACGGCTCCGGCCACCTCGCCTGCTCCGGCCCAGGCCACTCATT-3'
Protein context (NP_036584.1, residues 10-30): GGRSRVDQEE[Arg20=]FPQGLWTGVA

ClinVar aggregate classification (germline): Uncertain significance (1 of 4 stars; one submission).

Conditions:
Immunodeficiency, common variable, 2 (CVID2). Also called: ANTIBODY DEFICIENCY DUE TO TACI DEFECT; HYPOGAMMAGLOBULINEMIA DUE TO TACI DEFICIENCY. Identifiers: Orphanet 1572, MedGen C3150354, MONDO:0009413, OMIM 240500.

Submission:

Labcorp Genetics (formerly Invitae), Labcorp
Classification: Uncertain significance for Immunodeficiency, common variable, 2. Last evaluated: 2021-04-03. Review status: criteria provided, single submitter. Criteria: Invitae Variant Classification Sherloc (09022015). Collection method: clinical testing. Allele origin: germline.
Comment: This sequence change affects codon 20 of the TNFRSF13B mRNA. It is a 'silent' change, meaning that it does not change the encoded amino acid sequence of the TNFRSF13B protein. This variant is not present in population databases (ExAC no frequency). This variant has not been reported in the literature in individuals with TNFRSF13B-related conditions. Algorithms developed to predict the effect of sequence changes on RNA splicing suggest that this variant may disrupt the consensus splice site, but this prediction has not been confirmed by published transcriptional studies. In summary, the available evidence is currently insufficient to determine the role of this variant in disease. Therefore, it has been classified as a Variant of Uncertain Significance.